The following is an entry in ClinVar:

ClinVar aggregate classification (germline): Uncertain significance (1 of 4 stars; one submission).

Submission:

Ambry Genetics
Classification: Uncertain significance. Last evaluated: 2025-02-23. Review status: criteria provided, single submitter. Criteria: Ambry Variant Classification Scheme 2023. Collection method: clinical testing. Allele origin: germline.
Comment: The p.T1353A variant (also known as c.4057A>G), located in coding exon 14 of the CDK12 gene, results from an A to G substitution at nucleotide position 4057. The threonine at codon 1353 is replaced by alanine, an amino acid with similar properties. This amino acid position is conserved. In addition, this alteration is predicted to be tolerated by in silico analysis. Based on the available evidence, the clinical significance of this variant remains unclear.

NM_016507.4(CDK12):c.4057A>G (p.Thr1353Ala)

Gene: CDK12 (cyclin dependent kinase 12; plus strand). Cytogenetic location: 17q12.
Variant type: single nucleotide variant.
Coding change: c.4057A>G on transcript NM_016507.4 (MANE Select); coding-DNA position 4057, A replaced by G.
Protein change: p.Thr1353Ala; replaces threonine 1353 with alanine.
Molecular consequence: missense variant.
Genome position (GRCh38, 1-based): chr17:39,530,900, A>G. VCF-style: chr17-39530900-A-G. GRCh37 (hg19) VCF-style: chr17-37687153-A-G.
Other names: c.4030A>G, p.Thr1344Ala (NM_015083.4); short protein forms T1344A, T1353A.
Identifiers: ClinVar variation 3830707 (VCV003830707.1).